The following is an entry in ClinVar:

ClinVar aggregate classification (germline): Uncertain significance (1 of 4 stars; one submission).

Submission:

Labcorp Genetics (formerly Invitae), Labcorp
Classification: Uncertain significance. Last evaluated: 2024-11-05. Review status: criteria provided, single submitter. Criteria: Invitae Variant Classification Sherloc (09022015). Collection method: clinical testing. Allele origin: germline.
Comment: This sequence change replaces isoleucine, which is neutral and non-polar, with lysine, which is basic and polar, at codon 1766 of the CACNA1D protein (p.Ile1766Lys). This variant is not present in population databases (gnomAD no frequency). This variant has not been reported in the literature in individuals affected with CACNA1D-related conditions. ClinVar contains an entry for this variant (Variation ID: 2120090). An algorithm developed to predict the effect of missense changes on protein structure and function (PolyPhen-2) suggests that this variant is likely to be tolerated. In summary, the available evidence is currently insufficient to determine the role of this variant in disease. Therefore, it has been classified as a Variant of Uncertain Significance.

NM_001128840.3(CACNA1D):c.5237T>A (p.Ile1746Lys)

Gene: CACNA1D (calcium voltage-gated channel subunit alpha1 D; plus strand). Cytogenetic location: 3p21.1.
Variant type: single nucleotide variant.
Coding change: c.5237T>A on transcript NM_001128840.3 (MANE Select); coding-DNA position 5237, T replaced by A.
Protein change: p.Ile1746Lys; replaces isoleucine 1746 with lysine.
Molecular consequence: missense variant.
Genome position (GRCh38, 1-based): chr3:53,801,254, T>A. VCF-style: chr3-53801254-T-A. GRCh37 (hg19) VCF-style: chr3-53835281-T-A.
Other names: c.5297T>A, p.Ile1766Lys (NM_000720.4); c.5192T>A, p.Ile1731Lys (NM_001128839.3); short protein forms I1731K, I1746K, I1766K.
Identifiers: ClinVar variation 2120090 (VCV002120090.4), dbSNP rs2095534349, ClinGen allele CA353250727.